The following is an entry in ClinVar:

NM_001077350.3(NPRL3):c.769C>T (p.Pro257Ser)

Genes: HBA-LCR (alpha-globin locus control region; plus strand), NPRL3 (NPR3 like, GATOR1 complex subunit; minus strand). Cytogenetic location: 16p13.3.
Variant type: single nucleotide variant.
Coding change: c.769C>T on transcript NM_001077350.3 (MANE Select); coding-DNA position 769, C replaced by T.
Protein change: p.Pro257Ser; replaces proline 257 with serine.
Molecular consequence: missense variant.
Genome position (GRCh38, 1-based): chr16:98,300, G>A on the plus strand (C>T on the coding strand, the complement: NPRL3 is on the minus strand). VCF-style: chr16-98300-G-A. GRCh37 (hg19) VCF-style: chr16-148298-G-A.
Other names: c.232C>T, p.Pro78Ser (NM_001039476.3); c.535C>T, p.Pro179Ser (NM_001243247.2); c.694C>T, p.Pro232Ser (NM_001243248.2, NM_001243249.2); short protein forms P179S, P232S, P257S, P78S.
Identifiers: ClinVar variation 5020278 (VCV005020278.1).

ClinVar aggregate classification (germline): Uncertain significance (1 of 4 stars; one submission).

Submission:

Dasa
Classification: Uncertain significance. Last evaluated: 2026-08-10. Review status: criteria provided, single submitter. Criteria: DASA Assertion Criteria. Collection method: clinical testing. Allele origin: germline.
Comment: NM_001077350.3(NPRL3):c.769C>T (p.Pro257Ser) is a missense variant that results in the substitution of proline with serine. This variant is rare in population databases. Computational prediction algorithms are consistent with a deleterious effect. The currently available literature and clinical evidence are not sufficient to establish a definitive association between this variant and the reported condition. Therefore, this variant is classified as a variant of uncertain significance.